The following is an entry in ClinVar:

NM_001134363.3(RBM20):c.3512C>T (p.Thr1171Met)

Gene: RBM20 (RNA binding motif protein 20; plus strand). Cytogenetic location: 10q25.2.
Variant type: single nucleotide variant.
Coding change: c.3512C>T on transcript NM_001134363.3 (MANE Select); coding-DNA position 3512, C replaced by T.
Protein change: p.Thr1171Met; replaces threonine 1171 with methionine.
Molecular consequence: missense variant.
Genome position (GRCh38, 1-based): chr10:110,831,121, C>T. VCF-style: chr10-110831121-C-T. GRCh37 (hg19) VCF-style: chr10-112590879-C-T.
Other names: p.Thr1171Met; short protein forms T1171M.
Identifiers: ClinVar variation 470611 (VCV000470611.22), dbSNP rs371181124, ClinGen allele CA213235031.
Genomic context (GRCh38, chr10:110,831,121, plus strand): 5'-GGGTGGAGTTCGTGGTTCCCAGGACTGGCTTTTATTGCAAGCTGTGTGGGCTGTTCTACA[C>T]GAGCGAGGAGACAGCAAAGATGAGCCACTGCCGCAGCGCTGTCCACTACAGGAACTTACA-3'
Protein context (NP_001127835.2, residues 1161-1181): FYCKLCGLFY[Thr1171Met]SEETAKMSHC

ClinVar aggregate classification (germline): Conflicting classifications of pathogenicity. Review status: criteria provided, conflicting classifications (1 of 4 stars). 5 submissions from 5 submitters: Uncertain significance (3); Likely benign (2). Last evaluated 2026-04-02.

Conditions:
Dilated cardiomyopathy 1DD (CMD1DD). Identifiers: Orphanet 154, MedGen C2750995, MONDO:0013168, OMIM 613172.
Cardiovascular phenotype. Identifiers: MedGen CN230736.

Allele frequency attached by ClinVar (database versions not stated): ESP Exome Variant Server 0.00022; gnomAD exomes 0.00006; gnomAD 0.00012 and 0.00014; TOPMed 0.00015.
gnomAD v4.1: 53 of 1,551,446 alleles (0.0034%); highest among the groups gnomAD compares: African/African-American, 0.037%; no homozygotes.

Submissions (5):

Women's Health and Genetics/Laboratory Corporation of America, LabCorp
Classification: Likely benign. Last evaluated: 2026-04-02. Review status: criteria provided, single submitter. Criteria: LabCorp Variant Classification Summary - May 2015. Collection method: clinical testing. Allele origin: germline.
Comment: Variant summary: RBM20 c.3512C>T (p.Thr1171Met) results in a non-conservative amino acid change in the encoded protein sequence. Algorithms developed to predict the effect of missense changes on protein structure and function all suggest that this variant is likely to be disruptive. The observed variant frequency within African or African-American control individuals in the gnomAD database exceeds the estimated maximal expected allele frequency for disease-causing variants in RBM20. c.3512C>T has been observed in individual(s) affected with sudden death, without strong evidence for causality (Suktitipat_2017). These report(s) do not provide unequivocal conclusions about association of the variant with Dilated Cardiomyopathy. To our knowledge, no experimental evidence demonstrating an impact on protein function has been reported. The following publication has been ascertained in the context of this evaluation (PMID: 28704380). ClinVar contains an entry for this variant (Variation ID: 470611). Based on the evidence outlined above, the variant was classified as likely benign.

Labcorp Genetics (formerly Invitae), Labcorp
Classification: Likely benign for Dilated cardiomyopathy 1DD. Last evaluated: 2026-01-26. Review status: criteria provided, single submitter. Criteria: Invitae Variant Classification Sherloc (09022015). Collection method: clinical testing. Allele origin: germline.

Ambry Genetics
Classification: Uncertain significance for Cardiovascular phenotype. Last evaluated: 2024-08-07. Review status: criteria provided, single submitter. Criteria: Ambry Variant Classification Scheme 2023. Collection method: clinical testing. Allele origin: germline.
Comment: The p.T1171M variant (also known as c.3512C>T), located in coding exon 13 of the RBM20 gene, results from a C to T substitution at nucleotide position 3512. The threonine at codon 1171 is replaced by methionine, an amino acid with similar properties. This variant has been detected in a sudden unexplained death cohort (Suktitipat B et al. PLoS ONE, 2017 Jul;12:e0180056). This amino acid position is highly conserved in available vertebrate species. In addition, the in silico prediction for this alteration is inconclusive. Since supporting evidence is limited at this time, the clinical significance of this alteration remains unclear.

Mayo Clinic Laboratories, Mayo Clinic
Classification: Uncertain significance. Last evaluated: 2021-12-06. Review status: criteria provided, single submitter. Criteria: ACMG Guidelines, 2015. Collection method: clinical testing. Allele origin: germline.

Illumina Laboratory Services, Illumina
Classification: Uncertain significance for Dilated cardiomyopathy 1DD. Last evaluated: 2018-01-13. Review status: criteria provided, single submitter. Criteria: ICSL Variant Classification Criteria 13 December 2019. Collection method: clinical testing. Allele origin: germline.

Literature cited by the submitters: PubMed 28704380 (cited by Women's Health and Genetics/Laboratory Corporation of America, LabCorp and Ambry Genetics).